The following is an entry in ClinVar:

ClinVar aggregate classification (germline): Likely benign (1 of 4 stars; one submission).

Conditions:
COL12A1-related disorder. Also called: COL12A1-related condition.

gnomAD v4.1: 7 of 1,613,852 alleles (0.00043%); highest among the groups gnomAD compares: Non-Finnish European, 0.00059%; no homozygotes.

Submission:

PreventionGenetics, part of Exact Sciences
Classification: Likely benign for COL12A1-related condition. Last evaluated: 2024-11-22. Review status: criteria provided, single submitter. Criteria: ACMG Guidelines, 2015. Collection method: clinical testing. Allele origin: germline.
Comment: This variant is classified as likely benign based on ACMG/AMP sequence variant interpretation guidelines (Richards et al. 2015 PMID: 25741868, with internal and published modifications).

NM_004370.6(COL12A1):c.1995C>T (p.Thr665=)

Gene: COL12A1 (collagen type XII alpha 1 chain; minus strand). Cytogenetic location: 6q13.
Variant type: single nucleotide variant.
Coding change: c.1995C>T on transcript NM_004370.6 (MANE Select); coding-DNA position 1995, C replaced by T.
Protein change: p.Thr665=; no amino-acid change (threonine 665 retained).
Molecular consequence: synonymous variant. On other transcripts: intron variant (2).
Genome position (GRCh38, 1-based): chr6:75,181,108, G>A on the plus strand (C>T on the coding strand, the complement: COL12A1 is on the minus strand). VCF-style: chr6-75181108-G-A. GRCh37 (hg19) VCF-style: chr6-75890824-G-A.
Other names: c.1995C>T, p.Thr665= (NM_001424113.1, NM_001424114.1, NM_001424115.1); c.73+21612C>T (NM_001424116.1, NM_080645.3).
Identifiers: ClinVar variation 5002251 (VCV005002251.1).